The following is an entry in ClinVar:

NM_006642.5(SDCCAG8):c.1283A>G (p.Glu428Gly)

Gene: SDCCAG8 (SHH signaling and ciliogenesis regulator SDCCAG8; plus strand). Cytogenetic location: 1q43.
Variant type: single nucleotide variant.
Coding change: c.1283A>G on transcript NM_006642.5 (MANE Select); coding-DNA position 1283, A replaced by G.
Protein change: p.Glu428Gly; replaces glutamic acid 428 with glycine.
Molecular consequence: missense variant.
Genome position (GRCh38, 1-based): chr1:243,341,100, A>G. VCF-style: chr1-243341100-A-G. GRCh37 (hg19) VCF-style: chr1-243504402-A-G.
Other names: c.380A>G, p.Glu127Gly (NM_001350246.2, NM_001350247.2, NM_001350251.2); c.1379A>G, p.Glu460Gly (NM_001350248.2); c.989A>G, p.Glu330Gly (NM_001350249.2); short protein forms E127G, E330G, E428G, E460G.
Identifiers: ClinVar variation 1062267 (VCV001062267.9), dbSNP rs1364309751, ClinGen allele CA345474585.

ClinVar aggregate classification (germline): Uncertain significance (1 of 4 stars; one submission).

Conditions:
Senior-Loken syndrome 7 (SLSN7). Identifiers: Orphanet 3156, MedGen C3150877, MONDO:0013326, OMIM 613615.
Bardet-Biedl syndrome 16 (BBS16). Identifiers: Orphanet 110, MedGen C3889474, MONDO:0014444, OMIM 615993.

Allele frequency attached by ClinVar (database versions not stated): gnomAD exomes below 0.00001 and 0.00001.
gnomAD v4.1: 4 of 1,614,098 alleles (0.00025%); highest among the groups gnomAD compares: Non-Finnish European, 0.00034%; no homozygotes.

Submission:

Labcorp Genetics (formerly Invitae), Labcorp
Classification: Uncertain significance for Bardet-Biedl syndrome 16; Senior-Loken syndrome 7. Last evaluated: 2025-09-20. Review status: criteria provided, single submitter. Criteria: Invitae Variant Classification Sherloc (09022015). Collection method: clinical testing. Allele origin: germline.
Comment: This sequence change replaces glutamic acid, which is acidic and polar, with glycine, which is neutral and non-polar, at codon 428 of the SDCCAG8 protein (p.Glu428Gly). This variant is present in population databases (no rsID available, gnomAD 0.0009%). This variant has not been reported in the literature in individuals affected with SDCCAG8-related conditions. ClinVar contains an entry for this variant (Variation ID: 1062267). Invitae Evidence Modeling of protein sequence and biophysical properties (such as structural, functional, and spatial information, amino acid conservation, physicochemical variation, residue mobility, and thermodynamic stability) has been performed for this missense variant. However, the output from this modeling did not meet the statistical confidence thresholds required to predict the impact of this variant on SDCCAG8 protein function. In summary, the available evidence is currently insufficient to determine the role of this variant in disease. Therefore, it has been classified as a Variant of Uncertain Significance.